The following is an entry in ClinVar:

NM_001164508.2(NEB):c.7434A>T (p.Arg2478Ser)

Gene: NEB (nebulin; minus strand). Cytogenetic location: 2q23.3.
Variant type: single nucleotide variant.
Coding change: c.7434A>T on transcript NM_001164508.2 (MANE Select); coding-DNA position 7434, A replaced by T.
Protein change: p.Arg2478Ser; replaces arginine 2478 with serine.
Molecular consequence: missense variant.
Genome position (GRCh38, 1-based): chr2:151,646,232, T>A on the plus strand (A>T on the coding strand, the complement: NEB is on the minus strand). VCF-style: chr2-151646232-T-A. GRCh37 (hg19) VCF-style: chr2-152502746-T-A.
Other names: c.7434A>T, p.Arg2478Ser (NM_001164507.2, NM_001271208.2, NM_004543.5); short protein forms R2478S.
Identifiers: ClinVar variation 2106758 (VCV002106758.4), dbSNP rs373588820, ClinGen allele CA348785510.
Genomic context (GRCh38, chr2:151,646,232, plus strand): 5'-AGGTGTATCAGGCATGATGTGGATCTGAGTCTTGTCTTTGTCCCAAGCTTCTCTATAAAG[T>A]CTCTAAAATAAGAAATAATAATTTTTCAGTGGTGTTGTTAGATTAGTGAATGATACAGTT-3'
Protein context (NP_001157980.2, residues 2468-2488): AKTNAKNRSD[Arg2478Ser]LYREAWDKDK

ClinVar aggregate classification (germline): Uncertain significance (1 of 4 stars; one submission).

Conditions:
Nemaline myopathy 2 (NEM2). Also called: Nemaline myopathy 2, autosomal recessive. Identifiers: MedGen C1850569, MONDO:0009725, OMIM 256030.

Submission:

Labcorp Genetics (formerly Invitae), Labcorp
Classification: Uncertain significance for Nemaline myopathy 2. Last evaluated: 2022-03-07. Review status: criteria provided, single submitter. Criteria: Invitae Variant Classification Sherloc (09022015). Collection method: clinical testing. Allele origin: germline.
Comment: In summary, the available evidence is currently insufficient to determine the role of this variant in disease. Therefore, it has been classified as a Variant of Uncertain Significance. Algorithms developed to predict the effect of missense changes on protein structure and function are either unavailable or do not agree on the potential impact of this missense change (SIFT: "Deleterious"; PolyPhen-2: "Not Available"; Align-GVGD: "Class C0"). This variant has not been reported in the literature in individuals affected with NEB-related conditions. This variant is not present in population databases (gnomAD no frequency). This sequence change replaces arginine, which is basic and polar, with serine, which is neutral and polar, at codon 2478 of the NEB protein (p.Arg2478Ser).